The following is an entry in ClinVar:

NM_014714.4(IFT140):c.1989C>G (p.Cys663Trp)

Gene: IFT140 (intraflagellar transport 140; minus strand). Cytogenetic location: 16p13.3.
Variant type: single nucleotide variant.
Coding change: c.1989C>G on transcript NM_014714.4 (MANE Select); coding-DNA position 1989, C replaced by G.
Protein change: p.Cys663Trp; replaces cysteine 663 with tryptophan.
Molecular consequence: missense variant.
Genome position (GRCh38, 1-based): chr16:1,564,075, G>C on the plus strand (C>G on the coding strand, the complement: IFT140 is on the minus strand). VCF-style: chr16-1564075-G-C. GRCh37 (hg19) VCF-style: chr16-1614076-G-C.
Other names: short protein forms C663W.
Identifiers: ClinVar variation 1408190 (VCV001408190.8), dbSNP rs781117803, ClinGen allele CA394204919.

ClinVar aggregate classification (germline): Uncertain significance (1 of 4 stars; one submission).

Conditions:
Saldino-Mainzer syndrome (SRTD9). Also called: CONORENAL SYNDROME; Renal dysplasia, retinal pigmentary dystrophy, cerebellar ataxia and skeletal dysplasia; SHORT-RIB THORACIC DYSPLASIA 9 WITHOUT POLYDACTYLY; short-rib thoracic dysplasia 9 with or without polydactyly. Identifiers: Orphanet 140969, MedGen C1849437, MONDO:0009964, OMIM 266920.

gnomAD v4.1: 1 of 1,604,182 alleles (0.000062%); highest among the groups gnomAD compares: Non-Finnish European, 0.000085%; no homozygotes.

Submission:

Labcorp Genetics (formerly Invitae), Labcorp
Classification: Uncertain significance for Saldino-Mainzer syndrome. Last evaluated: 2025-11-12. Review status: criteria provided, single submitter. Criteria: Invitae Variant Classification Sherloc (09022015). Collection method: clinical testing. Allele origin: germline.
Comment: This sequence change replaces cysteine, which is neutral and slightly polar, with tryptophan, which is neutral and slightly polar, at codon 663 of the IFT140 protein (p.Cys663Trp). This variant is not present in population databases (gnomAD no frequency). This missense change has been observed in individual(s) with retinitis pigmentosa (PMID: 26216056). ClinVar contains an entry for this variant (Variation ID: 1408190). Invitae Evidence Modeling of protein sequence and biophysical properties (such as structural, functional, and spatial information, amino acid conservation, physicochemical variation, residue mobility, and thermodynamic stability) has been performed for this missense variant. However, the output from this modeling did not meet the statistical confidence thresholds required to predict the impact of this variant on IFT140 protein function. In summary, the available evidence is currently insufficient to determine the role of this variant in disease. Therefore, it has been classified as a Variant of Uncertain Significance.

Literature cited by the submitters: PubMed 26216056.